The following is an entry in ClinVar:

ClinVar aggregate classification (germline): Uncertain significance (1 of 4 stars; one submission).

Conditions:
Neuropathy, hereditary sensory and autonomic, type 2A (HSAN2A). Also called: ACROOSTEOLYSIS, NEUROGENIC; ACROOSTEOLYSIS, GIACCAI TYPE; MORVAN DISEASE; NEUROPATHY, CONGENITAL SENSORY; NEUROPATHY, HEREDITARY SENSORY RADICULAR, AUTOSOMAL RECESSIVE; NEUROPATHY, HEREDITARY SENSORY, TYPE IIA. Identifiers: Orphanet 970, MedGen C2752089, MONDO:0024309, OMIM 201300.
Generalized epilepsy with febrile seizures plus, type 7 (GEFSP7). Also called: GEFS+, TYPE 7. Identifiers: Orphanet 36387, MedGen C2751778, MONDO:0013470, OMIM 613863.

Allele frequency attached by ClinVar (database versions not stated): gnomAD exomes below 0.00001; TOPMed below 0.00001; gnomAD 0.00001.

Submission:

Labcorp Genetics (formerly Invitae), Labcorp
Classification: Uncertain significance for Neuropathy, hereditary sensory and autonomic, type 2A; Generalized epilepsy with febrile seizures plus, type 7. Last evaluated: 2025-07-03. Review status: criteria provided, single submitter. Criteria: Invitae Variant Classification Sherloc (09022015). Collection method: clinical testing. Allele origin: germline.
Comment: This sequence change replaces methionine, which is neutral and non-polar, with isoleucine, which is neutral and non-polar, at codon 1035 of the SCN9A protein (p.Met1035Ile). This variant is not present in population databases (gnomAD no frequency). This variant has not been reported in the literature in individuals affected with SCN9A-related conditions. ClinVar contains an entry for this variant (Variation ID: 471107). Invitae Evidence Modeling of protein sequence and biophysical properties (such as structural, functional, and spatial information, amino acid conservation, physicochemical variation, residue mobility, and thermodynamic stability) indicates that this missense variant is not expected to disrupt SCN9A protein function with a negative predictive value of 95%. In summary, the available evidence is currently insufficient to determine the role of this variant in disease. Therefore, it has been classified as a Variant of Uncertain Significance.

NM_001365536.1(SCN9A):c.3138G>T (p.Met1046Ile)

Genes: SCN9A (sodium voltage-gated channel alpha subunit 9; minus strand), SCN1A-AS1 (SCN1A and SCN9A antisense RNA 1; plus strand). Cytogenetic location: 2q24.3.
Variant type: single nucleotide variant.
Coding change: c.3138G>T on transcript NM_001365536.1 (MANE Select); coding-DNA position 3138, G replaced by T.
Protein change: p.Met1046Ile; replaces methionine 1046 with isoleucine.
Molecular consequence: missense variant.
Genome position (GRCh38, 1-based): chr2:166,272,612, C>A on the plus strand (G>T on the coding strand, the complement: SCN9A is on the minus strand). VCF-style: chr2-166272612-C-A. GRCh37 (hg19) VCF-style: chr2-167129122-C-A.
Other names: c.3105G>T, p.Met1035Ile (NM_002977.4); short protein forms M1035I, M1046I.
Identifiers: ClinVar variation 471107 (VCV000471107.7), dbSNP rs1553486730, ClinGen allele CA349073661.